The following is an entry in ClinVar:

NM_001303256.3(MORC2):c.227-5T>C

Gene: MORC2 (MORC family CW-type zinc finger 2; minus strand). Cytogenetic location: 22q12.2.
Variant type: single nucleotide variant.
Coding change: c.227-5T>C on transcript NM_001303256.3 (MANE Select); 5 bases into the intron before coding-DNA position 227, T replaced by C.
Molecular consequence: intron variant.
Genome position (GRCh38, 1-based): chr22:30,949,847, A>G on the plus strand (T>C on the coding strand, the complement: MORC2 is on the minus strand). VCF-style: chr22-30949847-A-G. GRCh37 (hg19) VCF-style: chr22-31345833-A-G.
Other names: c.227-5T>C (NM_001303257.2); c.41-5T>C (NM_014941.3).
Identifiers: ClinVar variation 864220 (VCV000864220.10), dbSNP rs763643471, ClinGen allele CA10187306.
Genomic context (GRCh38, chr22:30,949,847, plus strand): 5'-AGACTCAGGTGTTCGCTTGGCCGACTTCCCAAACTGGATCACACTGGCAGCATCACCTGA[A>G]AGGGCAGACACAAGAGAAAGTGAAAAGTTTGCATTTCTTTCCCAGGGTCCTCAAAGTCAA-3'

ClinVar aggregate classification (germline): Conflicting classifications of pathogenicity. Review status: criteria provided, conflicting classifications (1 of 4 stars). 2 submissions from 2 submitters: Uncertain significance (1); Likely benign (1). Last evaluated 2025-02-24.

Conditions:
Inborn genetic diseases. Identifiers: MedGen C0950123, MeSH D030342.
Charcot-Marie-Tooth disease axonal type 2Z. Also called: CHARCOT-MARIE-TOOTH DISEASE, AXONAL, AUTOSOMAL DOMINANT, TYPE 2Z; CHARCOT-MARIE-TOOTH NEUROPATHY, TYPE 2Z. Identifiers: Orphanet 466768, MedGen C5569025, MONDO:0014736, OMIM 616688.

Allele frequency attached by ClinVar (database versions not stated): gnomAD 0.00001; gnomAD exomes 0.00001; ExAC 0.00002; TOPMed 0.00002.
gnomAD v4.1: 11 of 1,613,752 alleles (0.00068%); highest among the groups gnomAD compares: Non-Finnish European, 0.00085%; no homozygotes.

Submissions (2):

Labcorp Genetics (formerly Invitae), Labcorp
Classification: Likely benign for Charcot-Marie-Tooth disease axonal type 2Z. Last evaluated: 2025-02-24. Review status: criteria provided, single submitter. Criteria: Invitae Variant Classification Sherloc (09022015). Collection method: clinical testing. Allele origin: germline.

Ambry Genetics
Classification: Uncertain significance for Inborn genetic diseases. Last evaluated: 2023-06-13. Review status: criteria provided, single submitter. Criteria: Ambry Variant Classification Scheme 2023. Collection method: clinical testing. Allele origin: germline.
Comment: The c.227-5T>C intronic alteration consists of a T to C substitution 5 nucleotides after coding exon 4 in the MORC2 gene. Based on insufficient or conflicting evidence, the clinical significance of this alteration remains unclear.